The following is an entry in ClinVar:

NM_183357.3(ADCY5):c.1262C>A (p.Ser421Ter)

Gene: ADCY5 (adenylate cyclase 5; minus strand). Cytogenetic location: 3q21.1.
Variant type: single nucleotide variant.
Coding change: c.1262C>A on transcript NM_183357.3 (MANE Select); coding-DNA position 1262, C replaced by A.
Protein change: p.Ser421Ter; replaces serine 421 with a stop codon.
Molecular consequence: nonsense.
Genome position (GRCh38, 1-based): chr3:123,352,454, G>T on the plus strand (C>A on the coding strand, the complement: ADCY5 is on the minus strand). VCF-style: chr3-123352454-G-T. GRCh37 (hg19) VCF-style: chr3-123071301-G-T.
Other names: c.212C>A, p.Ser71Ter (NM_001199642.1); c.1262C>A, p.Ser421Ter (NM_001378259.1); short protein forms S421*, S71*.
Identifiers: ClinVar variation 2664870 (VCV002664870.4), dbSNP rs147646506, ClinGen allele CA354222530.

ClinVar aggregate classification (germline): Pathogenic/Likely pathogenic. Review status: criteria provided, multiple submitters, no conflicts (2 of 4 stars). 2 submissions from 2 submitters: Pathogenic (1); Likely pathogenic (1). Last evaluated 2023-09-06.

Submissions (2):

GeneDx
Classification: Likely pathogenic. Last evaluated: 2023-09-06. Review status: criteria provided, single submitter. Criteria: GeneDx Variant Classification Process June 2021. Collection method: clinical testing. Allele origin: germline. Affected: yes.
Comment: Nonsense variant predicted to result in protein truncation or nonsense mediated decay in a gene for which loss of function is a known mechanism of disease; Not observed at significant frequency in large population cohorts (gnomAD); Has not been previously published as pathogenic or benign to our knowledge

Labcorp Genetics (formerly Invitae), Labcorp
Classification: Pathogenic. Last evaluated: 2023-05-13. Review status: criteria provided, single submitter. Criteria: Invitae Variant Classification Sherloc (09022015). Collection method: clinical testing. Allele origin: germline.
Comment: For these reasons, this variant has been classified as Pathogenic. This variant has not been reported in the literature in individuals affected with ADCY5-related conditions. This variant is not present in population databases (gnomAD no frequency). This sequence change creates a premature translational stop signal (p.Ser421*) in the ADCY5 gene. It is expected to result in an absent or disrupted protein product. Loss-of-function variants in ADCY5 are known to be pathogenic (PMID: 28971144, 34631954).

Literature cited by the submitters: PubMed 28971144 (cited by Labcorp Genetics (formerly Invitae), Labcorp); PubMed 34631954 (cited by Labcorp Genetics (formerly Invitae), Labcorp).